The following is an entry in ClinVar:

NM_004369.4(COL6A3):c.4511G>A (p.Arg1504Gln)

Gene: COL6A3 (collagen type VI alpha 3 chain; minus strand). Cytogenetic location: 2q37.3.
Variant type: single nucleotide variant.
Coding change: c.4511G>A on transcript NM_004369.4 (MANE Select); coding-DNA position 4511, G replaced by A.
Protein change: p.Arg1504Gln; replaces arginine 1504 with glutamine.
Molecular consequence: missense variant.
Genome position (GRCh38, 1-based): chr2:237,368,952, C>T on the plus strand (G>A on the coding strand, the complement: COL6A3 is on the minus strand). VCF-style: chr2-237368952-C-T. GRCh37 (hg19) VCF-style: chr2-238277595-C-T.
Other names: c.2690G>A, p.Arg897Gln (NM_057166.5); c.3893G>A, p.Arg1298Gln (NM_057167.4); short protein forms R1298Q, R897Q, R1504Q.
Identifiers: ClinVar variation 4737348 (VCV004737348.1).
Genomic context (GRCh38, chr2:237,368,952, plus strand): 5'-GCCACAAATTCGAGAGCCTTGCCAGTGTTCAGTGGGGACCCCCCTCTGAGCCTCAGGCGC[C>T]GTATGGCGTCCAGCACCGGGGCCTGGGATCTGTAGGTTTTCAGATAGAATTCTGGGAAGA-3'
Protein context (NP_004360.2, residues 1494-1514): RSQAPVLDAI[Arg1504Gln]RLRLRGGSPL

ClinVar aggregate classification (germline): Uncertain significance (1 of 4 stars; one submission).

Conditions:
Bethlem myopathy 1A. Also called: MYOPATHY, BENIGN CONGENITAL, WITH CONTRACTURES; Bethlem myopathy 1; Bethlem Muscular Dystrophy. Identifiers: Orphanet 610, MedGen CN029274, MONDO:0024530, OMIM 158810.

gnomAD v4.1: 12 of 1,614,068 alleles (0.00074%); highest among the groups gnomAD compares: East Asian, 0.0045%; no homozygotes.

Submission:

Labcorp Genetics (formerly Invitae), Labcorp
Classification: Uncertain significance for Bethlem myopathy 1A. Last evaluated: 2026-01-02. Review status: criteria provided, single submitter. Criteria: Invitae Variant Classification Sherloc (09022015). Collection method: clinical testing. Allele origin: germline.
Comment: This sequence change replaces arginine, which is basic and polar, with glutamine, which is neutral and polar, at codon 1504 of the COL6A3 protein (p.Arg1504Gln). This variant is present in population databases (rs757898607, gnomAD 0.02%). This variant has not been reported in the literature in individuals affected with COL6A3-related conditions. Invitae Evidence Modeling of protein sequence and biophysical properties (such as structural, functional, and spatial information, amino acid conservation, physicochemical variation, residue mobility, and thermodynamic stability) indicates that this missense variant is not expected to disrupt COL6A3 protein function with a negative predictive value of 80%. In summary, the available evidence is currently insufficient to determine the role of this variant in disease. Therefore, it has been classified as a Variant of Uncertain Significance.